The following is an entry in ClinVar:

NM_000132.4(F8):c.1804C>G (p.Arg602Gly)

Gene: F8 (coagulation factor VIII; minus strand). Cytogenetic location: Xq28.
Variant type: single nucleotide variant.
Coding change: c.1804C>G on transcript NM_000132.4 (MANE Select); coding-DNA position 1804, C replaced by G.
Protein change: p.Arg602Gly; replaces arginine 602 with glycine.
Molecular consequence: missense variant.
Genome position (GRCh38, 1-based): chrX:154,953,991, G>C on the plus strand (C>G on the coding strand, the complement: F8 is on the minus strand). VCF-style: chrX-154953991-G-C. GRCh37 (hg19) VCF-style: chrX-154182266-G-C.
Other names: short protein forms R602G.
Identifiers: ClinVar variation 627259 (VCV000627259.9), dbSNP rs137852424, ClinGen allele CA414910979.

ClinVar aggregate classification (germline): Pathogenic/Likely pathogenic. Review status: criteria provided, multiple submitters, no conflicts (2 of 4 stars). 5 submissions from 5 submitters: Pathogenic (3); Likely pathogenic (2). Last evaluated 2026-09-23.

Conditions:
F8-related disorder. Also called: F8-related condition.
F8-related disorders.
Hereditary factor IX deficiency disease (HEMB). Also called: Christmas Disease; F9 DEFICIENCY; FACTOR IX DEFICIENCY; PLASMA THROMBOPLASTIN COMPONENT DEFICIENCY; Hemophilia B. Identifiers: Orphanet 98879, MedGen C0008533, MeSH D002836, MONDO:0010604, OMIM 306900.
Hereditary factor VIII deficiency disease (HEMA). Also called: AUTOSOMAL HEMOPHILIA A; Hemophilia A; HEMOPHILIA, CLASSIC; Hemophilia A, congenital; HEM A; Factor 8 deficiency, congenital. Identifiers: Orphanet 98878, MedGen C0019069, MONDO:0010602, OMIM 306700.

gnomAD v4.1: 4 of 1,210,805 alleles (0.00033%); highest among the groups gnomAD compares: Non-Finnish European, 0.00045%; no homozygotes.

Submissions (5):

PreventionGenetics, part of Exact Sciences
Classification: Likely pathogenic for F8-related condition. Last evaluated: 2026-09-23. Review status: criteria provided, single submitter. Criteria: ACMG Guidelines, 2015. Collection method: clinical testing. Allele origin: germline.
Comment: The F8 c.1804C>G variant is predicted to result in the amino acid substitution p.Arg602Gly. This variant, alternatively referred to as p.Arg583Gly using legacy nomenclature, has been reported in multiple individuals with mild hemophilia A (see, for example, Waseem et al. 1999. PubMed ID: 10404764; Table S3, Downes et al. 2019. PubMed ID: 31064749; Table S7, Kingsmore et al. 2022. PubMed ID: 36007526; Beskorovainaya et al. 2019. doi: 10.1134/S1022795419080027). This variant has not been reported in a large population database (gnomAD), indicating this variant is rare and is interpreted as likely pathogenic/pathogenic in ClinVar (Variation ID: 627259). This variant is interpreted as likely pathogenic.

Blueprint Genetics
Classification: Pathogenic for F8-related disorders. Last evaluated: 2024-08-27. Review status: criteria provided, single submitter. Criteria: ACMG Guidelines, 2015. Collection method: clinical testing. Allele origin: germline. Affected: yes. Observed: 3 variant alleles.

Women's Health and Genetics/Laboratory Corporation of America, LabCorp
Classification: Pathogenic for Hereditary factor VIII deficiency disease. Last evaluated: 2023-11-10. Review status: criteria provided, single submitter. Criteria: LabCorp Variant Classification Summary - May 2015. Collection method: clinical testing. Allele origin: germline.
Comment: Variant summary: F8 c.1804C>G (p.Arg602Gly) results in a non-conservative amino acid change in the encoded protein sequence. Three of five in-silico tools predict a damaging effect of the variant on protein function. The variant was absent in 183429 control chromosomes. c.1804C>G has been reported in the literature in multiple individuals affected with mild Factor VIII Deficiency (Hemophilia A) (example, Hill_2005, Green_2008, Miller_2012, Eckhardt_2013, Downes_2019). These data indicate that the variant is very likely to be associated with disease. To our knowledge, no experimental evidence demonstrating an impact on protein function has been reported. The following publications have been ascertained in the context of this evaluation (PMID: 31064749, 23926300, 18691168, 15810915, 22103590). Two submitters have cited clinical-significance assessments for this variant to ClinVar after 2014. All submitters classified the variant as pathogenic/likely pathogenic. Based on the evidence outlined above, the variant was classified as pathogenic.

Illumina Laboratory Services, Illumina
Classification: Likely pathogenic for Hereditary factor VIII deficiency disease. Last evaluated: 2019-10-08. Review status: criteria provided, single submitter. Criteria: ICSLVariantClassificationCriteria RUGD 01 April 2020. Collection method: clinical testing. Allele origin: unknown.
Comment: The F8 c.1804C>G (p.Arg602Gly) missense variant that has been reported in at least two studies and is identified in a hemizygous state in at least eight individuals with mild hemophilia A (Bowyer et al. 2013; Beskorovainaya et al. 2019). Control data are unavailable for this variant, which is not found in in the Genome Aggregation Database despite good sequence coverage, so the variant is presumed to be rare. Based on the prevalence of the variant in affected individuals compared to controls, absence from population frequency databases, and location in a functional domain in a variant hotspot, the p.Arg602Gly variant is classified as likely pathogenic for hemophilia A.

NIHR Bioresource Rare Diseases, University of Cambridge
Classification: Pathogenic for Hereditary factor IX deficiency disease. Last evaluated: 2019-02-01. Review status: criteria provided, single submitter. Criteria: ACMG Guidelines, 2015. Collection method: research. Allele origin: unknown. Affected: yes. Observed: 1 hemizygote. Study: ThromboGenomics.

Literature cited by the submitters: PubMed 31064749 (cited by Women's Health and Genetics/Laboratory Corporation of America, LabCorp and NIHR Bioresource Rare Diseases, University of Cambridge); PubMed 23926300 (cited by Women's Health and Genetics/Laboratory Corporation of America, LabCorp); PubMed 18691168 (cited by Women's Health and Genetics/Laboratory Corporation of America, LabCorp); PubMed 22103590 (cited by Women's Health and Genetics/Laboratory Corporation of America, LabCorp); PubMed 15810915 (cited by Women's Health and Genetics/Laboratory Corporation of America, LabCorp); PubMed 23812942 (cited by Illumina Laboratory Services, Illumina).